The following is an entry in ClinVar:

NM_020631.6(PLEKHG5):c.3012-3T>C

Gene: PLEKHG5 (pleckstrin homology and RhoGEF domain containing G5; minus strand). Cytogenetic location: 1p36.31.
Variant type: single nucleotide variant.
Coding change: c.3012-3T>C on transcript NM_020631.6 (MANE Select); 3 bases into the intron before coding-DNA position 3012, T replaced by C.
Molecular consequence: intron variant.
Genome position (GRCh38, 1-based): chr1:6,467,575, A>G on the plus strand (T>C on the coding strand, the complement: PLEKHG5 is on the minus strand). VCF-style: chr1-6467575-A-G. GRCh37 (hg19) VCF-style: chr1-6527635-A-G.
Other names: c.3012-3T>C (NM_198681.4, NM_001042664.2, NM_001042665.2); c.3123-3T>C (NM_001042663.3, NM_001265592.2); c.*19-3T>C (NM_001265594.3); c.3219-3T>C (NM_001265593.2).
Identifiers: ClinVar variation 1798815 (VCV001798815.2), dbSNP rs2523094682, ClinGen allele CA2580062540.

ClinVar aggregate classification (germline): Uncertain significance (1 of 4 stars; one submission).

Conditions:
Inborn genetic diseases. Identifiers: MedGen C0950123, MeSH D030342.

Submission:

Ambry Genetics
Classification: Uncertain significance for Inborn genetic diseases. Last evaluated: 2021-03-17. Review status: criteria provided, single submitter. Criteria: Ambry Variant Classification Scheme 2023. Collection method: clinical testing. Allele origin: germline.
Comment: The c.3012-3T>C intronic variant results from a T to C substitution 3 nucleotides upstream from coding exon 20 in the PLEKHG5 gene. This nucleotide position is poorly conserved in available vertebrate species. In silico splice site analysis predicts that this alteration will not have any significant effect on splicing. Since supporting evidence is limited at this time, the clinical significance of this alteration remains unclear.